The following is an entry in ClinVar:

ClinVar aggregate classification (germline): Benign/Likely benign. Review status: criteria provided, multiple submitters, no conflicts (2 of 4 stars). 8 submissions from 8 submitters: Benign (5); Likely benign (1). 2 of the submissions do not count toward it. Last evaluated 2026-02-04.

Conditions:
Lethal multiple pterygium syndrome (LMPS). Identifiers: Orphanet 33108, MedGen C1854678, MONDO:0009668, OMIM 253290.

Allele frequency attached by ClinVar (database versions not stated): 1000 Genomes Project 30x 0.16896; 1000 Genomes Project 0.17113; TOPMed 0.18554; gnomAD 0.20012 and 0.20060; ESP Exome Variant Server 0.20398; gnomAD exomes 0.21038 and 0.23397; ExAC 0.23276.
gnomAD v4.1: 367,148 of 1,595,044 alleles (23%); highest among the groups gnomAD compares: East Asian, 27%; 44,308 homozygotes.

Submissions (8):

Labcorp Genetics (formerly Invitae), Labcorp
Classification: Benign. Last evaluated: 2026-02-04. Review status: criteria provided, single submitter. Criteria: Invitae Variant Classification Sherloc (09022015). Collection method: clinical testing. Allele origin: germline.

GeneDx
Classification: Benign. Last evaluated: 2018-11-12. Review status: criteria provided, single submitter. Criteria: GeneDx Variant Classification Process June 2021. Collection method: clinical testing. Allele origin: germline. Affected: yes.

Illumina Laboratory Services, Illumina
Classification: Benign for Lethal multiple pterygium syndrome. Last evaluated: 2018-01-13. Review status: criteria provided, single submitter. Criteria: ICSL Variant Classification Criteria 13 December 2019. Collection method: clinical testing. Allele origin: germline.
Comment: This variant was observed in the ICSL laboratory as part of a predisposition screen in an ostensibly healthy population. It had not been previously curated by ICSL or reported in the Human Gene Mutation Database (HGMD: prior to June 1st, 2018), and was therefore a candidate for classification through an automated scoring system. Utilizing variant allele frequency, disease prevalence and penetrance estimates, and inheritance mode, an automated score was calculated to assess if this variant is too frequent to cause the disease. Based on the score and internal cut-off values, a variant classified as benign is not then subjected to further curation. The score for this variant resulted in a classification of benign for this disease.

PreventionGenetics, part of Exact Sciences
Classification: Benign. Last evaluated: 2016-02-24. Review status: criteria provided, single submitter. Criteria: ACMG Guidelines, 2015. Collection method: clinical testing. Allele origin: germline.

Eurofins Ntd Llc (ga)
Classification: Benign. Last evaluated: 2014-11-17. Review status: criteria provided, single submitter. Criteria: EGL Classification Definitions 2015. Collection method: clinical testing. Allele origin: germline. Observed: 1 variant allele, 1 heterozygote.

Breakthrough Genomics
Classification: Likely benign. Review status: criteria provided, single submitter. Criteria: ACMG Guidelines, 2015. Collection method: not provided. Allele origin: germline. Inheritance: Autosomal recessive inheritance. Affected: yes.

Diagnostic Laboratory, Department of Genetics, University Medical Center Groningen
Classification: Benign. Review status: no assertion criteria provided. Collection method: clinical testing. Allele origin: germline. Affected: yes. Study: VKGL Data-share Consensus. Not counted in ClinVar's aggregate classification.

Joint Genome Diagnostic Labs from Nijmegen and Maastricht, Radboudumc and MUMC+
Classification: Benign. Review status: no assertion criteria provided. Collection method: clinical testing. Allele origin: germline. Affected: yes. Study: VKGL Data-share Consensus. Not counted in ClinVar's aggregate classification.

NM_005199.5(CHRNG):c.507-13C>T

Gene: CHRNG (cholinergic receptor nicotinic gamma subunit; plus strand). Cytogenetic location: 2q37.1.
Variant type: single nucleotide variant.
Coding change: c.507-13C>T on transcript NM_005199.5 (MANE Select); 13 bases into the intron before coding-DNA position 507, C replaced by T.
Molecular consequence: intron variant.
Genome position (GRCh38, 1-based): chr2:232,542,410, C>T. VCF-style: chr2-232542410-C-T. GRCh37 (hg19) VCF-style: chr2-233407120-C-T.
Identifiers: ClinVar variation 198182 (VCV000198182.21), dbSNP rs2853462, ClinGen allele CA203300.
Genomic context (GRCh38, chr2:232,542,410, plus strand): 5'-CAGAAGGTCATCCCCATGCAGTCGTGGCAGGTCCACCCGCTCACATTTAGCCTCTTTCCT[C>T]GGTGACTCCCAGGTCCCAGACTTACAGCACCAATGAGATTGATCTGCAGCTGAGTCAGGA-3'